The following is an entry in ClinVar:

NM_001267550.2(TTN):c.50479C>T (p.Arg16827Trp)

Genes: TTN (titin; minus strand), TTN-AS1 (TTN antisense RNA 1; plus strand). Cytogenetic location: 2q31.2.
Variant type: single nucleotide variant.
Coding change: c.50479C>T on transcript NM_001267550.2 (MANE Select); coding-DNA position 50479, C replaced by T.
Protein change: p.Arg16827Trp; replaces arginine 16827 with tryptophan.
Molecular consequence: missense variant.
Genome position (GRCh38, 1-based): chr2:178,611,830, G>A on the plus strand (C>T on the coding strand, the complement: TTN is on the minus strand). VCF-style: chr2-178611830-G-A. GRCh37 (hg19) VCF-style: chr2-179476557-G-A.
Other names: c.45556C>T, p.Arg15186Trp (NM_001256850.1); c.23284C>T, p.Arg7762Trp (NM_003319.4); c.23659C>T, p.Arg7887Trp (NM_133432.3); c.23860C>T, p.Arg7954Trp (NM_133437.4); c.42775C>T, p.Arg14259Trp (NM_133378.4); short protein forms R14259W, R16827W, R15186W, R7762W, R7887W, R7954W.
Identifiers: ClinVar variation 166008 (VCV000166008.32), dbSNP rs727503620, ClinGen allele CA178823.

ClinVar aggregate classification (germline): Uncertain significance. Review status: criteria provided, multiple submitters, no conflicts (2 of 4 stars). 5 submissions from 5 submitters: Uncertain significance (5). Last evaluated 2026-04-02.

Conditions:
TTN-related disorder. Also called: TTN-related disorders; TTN-related condition; TTN-related disease.
Hypertrophic cardiomyopathy 9. Also called: Familial hypertrophic cardiomyopathy 9. Identifiers: MedGen C1861065, MONDO:0013412, OMIM 613765.
Dilated cardiomyopathy 1G (CMD1G). Identifiers: Orphanet 154, MedGen C1858763, MONDO:0011400, OMIM 604145.
Myopathy, myofibrillar, 9, with early respiratory failure (MFM9). Also called: Hereditary myopathy with early respiratory failure; MYOPATHY, PROXIMAL, WITH EARLY RESPIRATORY MUSCLE INVOLVEMENT; EDSTROM MYOPATHY; Myopathy, distal, with early respiratory failure, autosomal dominant. Identifiers: Orphanet 178464, Orphanet 34521, MedGen C1863599, MONDO:0011362, OMIM 603689.
Autosomal recessive limb-girdle muscular dystrophy type 2J (LGMDR10). Also called: Limb-girdle muscular dystrophy, type 2J; MUSCULAR DYSTROPHY, LIMB-GIRDLE, AUTOSOMAL RECESSIVE 10. Identifiers: Orphanet 140922, MedGen C1837342, MONDO:0012127, OMIM 608807.
Tibial muscular dystrophy (TMD). Also called: UDD MYOPATHY; Tibial muscular dystrophy, tardive; Udd Distal Myopathy – Tibial Muscular Dystrophy. Identifiers: Orphanet 609, MedGen C1838244, MONDO:0010870, OMIM 600334.
Early-onset myopathy with fatal cardiomyopathy (CMYO5). Also called: CONGENITAL MYOPATHY 5 WITH CARDIOMYOPATHY; Salih Myopathy. Identifiers: Orphanet 289377, MedGen C2673677, MONDO:0012714, OMIM 611705. Disease mechanism: loss of function.

Allele frequency attached by ClinVar (database versions not stated): gnomAD exomes 0.00001; ExAC 0.00002; gnomAD 0.00003; TOPMed 0.00003.
gnomAD v4.1: 21 of 1,612,766 alleles (0.0013%); highest among the groups gnomAD compares: Middle Eastern, 0.033%; no homozygotes.

Submissions (5):

PreventionGenetics, part of Exact Sciences
Classification: Uncertain significance for TTN-related condition. Last evaluated: 2026-04-02. Review status: criteria provided, single submitter. Criteria: ACMG Guidelines, 2015. Collection method: clinical testing. Allele origin: germline.
Comment: The TTN c.50479C>T variant is predicted to result in the amino acid substitution p.Arg16827Trp. To our knowledge, this variant has not been reported in the literature. This variant is reported in 0.0041% of alleles in individuals of African descent in gnomAD. At this time, the clinical significance of this variant is uncertain due to the absence of conclusive functional and genetic evidence.

Revvity Omics, Revvity
Classification: Uncertain significance. Last evaluated: 2024-12-31. Review status: criteria provided, single submitter. Criteria: ACMG Guidelines, 2015. Collection method: clinical testing. Allele origin: germline.

CeGaT Center for Human Genetics Tuebingen
Classification: Uncertain significance. Last evaluated: 2023-01-01. Review status: criteria provided, single submitter. Criteria: CeGaT Center For Human Genetics Tuebingen Variant Classification Criteria Version 2. Collection method: clinical testing. Allele origin: germline. Affected: yes. Observed: 1 variant allele.

Fulgent Genetics
Classification: Uncertain significance for Tibial muscular dystrophy; Myopathy, myofibrillar, 9, with early respiratory failure; Dilated cardiomyopathy 1G; Autosomal recessive limb-girdle muscular dystrophy type 2J; Early-onset myopathy with fatal cardiomyopathy; Hypertrophic cardiomyopathy 9. Last evaluated: 2021-09-23. Review status: criteria provided, single submitter. Criteria: ACMG Guidelines, 2015. Collection method: clinical testing. Allele origin: unknown.

Laboratory for Molecular Medicine, Mass General Brigham Personalized Medicine
Classification: Uncertain significance. Last evaluated: 2013-10-21. Review status: criteria provided, single submitter. Criteria: LMM Criteria. Collection method: clinical testing. Allele origin: germline. Observed: 1 variant allele.
Comment: The Arg14259Trp variant in TTN has previously reported in individuals with cardi omyopathy or in large population studies. Computational analyses (biochemical am ino acid properties, conservation, AlignGVGD, PolyPhen2, and SIFT) do not provid e strong support for or against an impact to the protein. Additional information is needed to fully assess the clinical significance of this variant.